The following is an entry in ClinVar:

ClinVar aggregate classification (germline): Uncertain significance (1 of 4 stars; one submission).

Submission:

Labcorp Genetics (formerly Invitae), Labcorp
Classification: Uncertain significance. Last evaluated: 2023-01-24. Review status: criteria provided, single submitter. Criteria: Invitae Variant Classification Sherloc (09022015). Collection method: clinical testing. Allele origin: germline.
Comment: This variant is not present in population databases (gnomAD no frequency). In summary, the available evidence is currently insufficient to determine the role of this variant in disease. Therefore, it has been classified as a Variant of Uncertain Significance. Algorithms developed to predict the effect of missense changes on protein structure and function (SIFT, PolyPhen-2, Align-GVGD) all suggest that this variant is likely to be tolerated. This variant has not been reported in the literature in individuals affected with TAOK2-related conditions. This sequence change replaces glutamic acid, which is acidic and polar, with glutamine, which is neutral and polar, at codon 618 of the TAOK2 protein (p.Glu618Gln).

NM_016151.4(TAOK2):c.1852G>C (p.Glu618Gln)

Gene: TAOK2 (TAO kinase 2; plus strand). Cytogenetic location: 16p11.2.
Variant type: single nucleotide variant.
Coding change: c.1852G>C on transcript NM_016151.4 (MANE Select); coding-DNA position 1852, G replaced by C.
Protein change: p.Glu618Gln; replaces glutamic acid 618 with glutamine.
Molecular consequence: missense variant.
Genome position (GRCh38, 1-based): chr16:29,985,721, G>C. VCF-style: chr16-29985721-G-C. GRCh37 (hg19) VCF-style: chr16-29997042-G-C.
Other names: c.1852G>C, p.Glu618Gln (NM_001252043.2, NM_004783.4); short protein forms E618Q.
Identifiers: ClinVar variation 2831693 (VCV002831693.3), dbSNP rs2543653047, ClinGen allele CA395487628.